The following is an entry in ClinVar:

ClinVar aggregate classification (germline): Uncertain significance. Review status: criteria provided, multiple submitters, no conflicts (2 of 4 stars). 4 submissions from 4 submitters: Uncertain significance (4). Last evaluated 2025-02-09.

Conditions:
Familial ovarian cancer. Identifiers: MedGen C5679802, MONDO:0016248.
Fanconi anemia complementation group J. Also called: BRIP1-Related Fanconi Anemia. Identifiers: Orphanet 84, MedGen C1836860, MONDO:0012187, OMIM 609054.
Familial cancer of breast. Also called: BREAST CANCER, FAMILIAL; hereditary breast carcinoma; Hereditary breast cancer. Identifiers: Orphanet 227535, MedGen C0346153, MONDO:0016419, OMIM 114480. Disease mechanism: loss of function.
Hereditary cancer-predisposing syndrome. Also called: Tumor predisposition; Neoplastic Syndromes, Hereditary; Hereditary Cancer Syndrome; Hereditary neoplastic syndrome. Identifiers: Orphanet 140162, MedGen C0027672, MeSH D009386, MONDO:0015356.

Allele frequency attached by ClinVar (database versions not stated): gnomAD exomes below 0.00001.
gnomAD v4.1: 2 of 1,612,634 alleles (0.00012%); highest among the groups gnomAD compares: Non-Finnish European, 0.000085%; no homozygotes.

Submissions (4):

Ambry Genetics
Classification: Uncertain significance for Hereditary cancer-predisposing syndrome. Last evaluated: 2025-02-09. Review status: criteria provided, single submitter. Criteria: Ambry Variant Classification Scheme 2023. Collection method: clinical testing. Allele origin: germline.
Comment: The p.L1136F variant (also known as c.3406C>T), located in coding exon 19 of the BRIP1 gene, results from a C to T substitution at nucleotide position 3406. The leucine at codon 1136 is replaced by phenylalanine, an amino acid with highly similar properties. This amino acid position is conserved. In addition, the in silico prediction for this alteration is inconclusive. Since supporting evidence is limited at this time, the clinical significance of this alteration remains unclear.

Molecular Pathology, Peter Maccallum Cancer Centre
Classification: Uncertain significance for Familial ovarian cancer. Last evaluated: 2024-08-22. Review status: criteria provided, single submitter. Criteria: ACMG Guidelines, 2015. Collection method: clinical testing. Allele origin: germline. Inheritance: Autosomal dominant inheritance.

Labcorp Genetics (formerly Invitae), Labcorp
Classification: Uncertain significance for Familial cancer of breast; Fanconi anemia complementation group J. Last evaluated: 2024-05-05. Review status: criteria provided, single submitter. Criteria: Invitae Variant Classification Sherloc (09022015). Collection method: clinical testing. Allele origin: germline.
Comment: This sequence change replaces leucine, which is neutral and non-polar, with phenylalanine, which is neutral and non-polar, at codon 1136 of the BRIP1 protein (p.Leu1136Phe). This variant is not present in population databases (gnomAD no frequency). This variant has not been reported in the literature in individuals affected with BRIP1-related conditions. ClinVar contains an entry for this variant (Variation ID: 489833). An algorithm developed to predict the effect of missense changes on protein structure and function (PolyPhen-2) suggests that this variant is likely to be disruptive. In summary, the available evidence is currently insufficient to determine the role of this variant in disease. Therefore, it has been classified as a Variant of Uncertain Significance.

Color Diagnostics, LLC DBA Color Health
Classification: Uncertain significance for Hereditary cancer-predisposing syndrome. Last evaluated: 2023-12-05. Review status: criteria provided, single submitter. Criteria: ACMG Guidelines, 2015. Collection method: clinical testing. Allele origin: germline.
Comment: This missense variant replaces leucine with phenylalanine at codon 1136 of the BRIP1 protein. Computational prediction suggests that this variant may not impact protein structure and function (internally defined REVEL score threshold <= 0.5, PMID: 27666373). To our knowledge, functional studies have not been reported for this variant. This variant has not been reported in individuals affected with BRIP1-related disorders in the literature. This variant has not been identified in the general population by the Genome Aggregation Database (gnomAD). The available evidence is insufficient to determine the role of this variant in disease conclusively. Therefore, this variant is classified as a Variant of Uncertain Significance.

NM_032043.3(BRIP1):c.3406C>T (p.Leu1136Phe)

Gene: BRIP1 (BRCA1 interacting DNA helicase 1; minus strand). Cytogenetic location: 17q23.2.
Variant type: single nucleotide variant.
Coding change: c.3406C>T on transcript NM_032043.3 (MANE Select); coding-DNA position 3406, C replaced by T.
Protein change: p.Leu1136Phe; replaces leucine 1136 with phenylalanine.
Molecular consequence: missense variant.
Genome position (GRCh38, 1-based): chr17:61,683,640, G>A on the plus strand (C>T on the coding strand, the complement: BRIP1 is on the minus strand). VCF-style: chr17-61683640-G-A. GRCh37 (hg19) VCF-style: chr17-59761001-G-A.
Other names: short protein forms L1136F.
Identifiers: ClinVar variation 489833 (VCV000489833.21), dbSNP rs1555572626, ClinGen allele CA400478797.
Genomic context (GRCh38, chr17:61,683,640, plus strand): 5'-TTCCTCTATCAGTTTCAGCTAGGTCATTTTTTTCTTCATCTGTATCTTCAGGATCATAAA[G>A]TTCAGGTGTAAAATAGATAGATTCATCTTCTGCTTCTGTTTCAAAATCTCTATTTGAAGT-3'
Protein context (NP_114432.2, residues 1126-1146): EDESIYFTPE[Leu1136Phe]YDPEDTDEEK